The following is an entry in ClinVar:

ClinVar aggregate classification (germline): Uncertain significance. Review status: criteria provided, multiple submitters, no conflicts (2 of 4 stars). 2 submissions from 2 submitters: Uncertain significance (2). Last evaluated 2023-07-07.

Allele frequency attached by ClinVar (database versions not stated): gnomAD exomes 0.00001; ExAC 0.00002; gnomAD 0.00002; TOPMed 0.00002; ESP Exome Variant Server 0.00008.

Submissions (2):

Labcorp Genetics (formerly Invitae), Labcorp
Classification: Uncertain significance. Last evaluated: 2023-07-07. Review status: criteria provided, single submitter. Criteria: Invitae Variant Classification Sherloc (09022015). Collection method: clinical testing. Allele origin: germline.
Comment: This variant is present in population databases (rs370362031, gnomAD 0.006%). This sequence change replaces arginine, which is basic and polar, with cysteine, which is neutral and slightly polar, at codon 574 of the TCF3 protein (p.Arg574Cys). Advanced modeling of protein sequence and biophysical properties (such as structural, functional, and spatial information, amino acid conservation, physicochemical variation, residue mobility, and thermodynamic stability) performed at Invitae indicates that this missense variant is expected to disrupt TCF3 protein function. In summary, the available evidence is currently insufficient to determine the role of this variant in disease. Therefore, it has been classified as a Variant of Uncertain Significance. ClinVar contains an entry for this variant (Variation ID: 1013644). This variant has not been reported in the literature in individuals affected with TCF3-related conditions.

Revvity Omics, Revvity
Classification: Uncertain significance. Last evaluated: 2021-10-16. Review status: criteria provided, single submitter. Criteria: ACMG Guidelines, 2015. Collection method: clinical testing. Allele origin: germline.

NM_003200.5(TCF3):c.1720C>T (p.Arg574Cys)

Gene: TCF3 (transcription factor 3; minus strand). Cytogenetic location: 19p13.3.
Variant type: single nucleotide variant.
Coding change: c.1720C>T on transcript NM_003200.5 (MANE Select); coding-DNA position 1720, C replaced by T.
Protein change: p.Arg574Cys; replaces arginine 574 with cysteine.
Molecular consequence: missense variant. On other transcripts: intron variant (2).
Genome position (GRCh38, 1-based): chr19:1,615,387, G>A on the plus strand (C>T on the coding strand, the complement: TCF3 is on the minus strand). VCF-style: chr19-1615387-G-A. GRCh37 (hg19) VCF-style: chr19-1615386-G-A.
Other names: c.1717C>T, p.Arg573Cys (NM_001351778.2); c.1586+299C>T (NM_001136139.4, NM_001351779.2); short protein forms R573C, R574C.
Identifiers: ClinVar variation 1013644 (VCV001013644.9), dbSNP rs370362031, ClinGen allele CA9049646.